The following is an entry in ClinVar:

NM_033305.3(VPS13A):c.4735A>G (p.Ile1579Val)

Gene: VPS13A (vacuolar protein sorting 13 homolog A; plus strand). Cytogenetic location: 9q21.2.
Variant type: single nucleotide variant.
Coding change: c.4735A>G on transcript NM_033305.3 (MANE Select); coding-DNA position 4735, A replaced by G.
Protein change: p.Ile1579Val; replaces isoleucine 1579 with valine.
Molecular consequence: missense variant.
Genome position (GRCh38, 1-based): chr9:77,316,278, A>G. VCF-style: chr9-77316278-A-G. GRCh37 (hg19) VCF-style: chr9-79931194-A-G.
Other names: c.4618A>G, p.Ile1540Val (NM_001018037.2); c.4735A>G, p.Ile1579Val (NM_001018038.3, NM_015186.4); short protein forms I1540V, I1579V.
Identifiers: ClinVar variation 1879736 (VCV001879736.29), dbSNP rs2537987015, ClinGen allele CA373857265.

ClinVar aggregate classification (germline): Uncertain significance (1 of 4 stars; one submission).

Allele frequency attached by ClinVar (database versions not stated): gnomAD exomes below 0.00001.
gnomAD v4.1: 1 of 1,613,368 alleles (0.000062%); highest among the groups gnomAD compares: Non-Finnish European, 0.000085%; no homozygotes.

Submission:

CeGaT Center for Human Genetics Tuebingen
Classification: Uncertain significance. Last evaluated: 2022-10-01. Review status: criteria provided, single submitter. Criteria: CeGaT Center For Human Genetics Tuebingen Variant Classification Criteria Version 2. Collection method: clinical testing. Allele origin: germline. Affected: yes. Observed: 1 variant allele.
Comment: VPS13A: PM2, BP4